The following is an entry in ClinVar:

NM_020822.3(KCNT1):c.3493A>G (p.Thr1165Ala)

Gene: KCNT1 (potassium sodium-activated channel subfamily T member 1; plus strand). Cytogenetic location: 9q34.3.
Variant type: single nucleotide variant.
Coding change: c.3493A>G on transcript NM_020822.3 (MANE Select); coding-DNA position 3493, A replaced by G.
Protein change: p.Thr1165Ala; replaces threonine 1165 with alanine.
Molecular consequence: missense variant.
Genome position (GRCh38, 1-based): chr9:135,786,512, A>G. VCF-style: chr9-135786512-A-G. GRCh37 (hg19) VCF-style: chr9-138678358-A-G.
Other names: c.3358A>G, p.Thr1120Ala (NM_001272003.2); short protein forms T1165A, T1120A.
Identifiers: ClinVar variation 848626 (VCV000848626.13), dbSNP rs549276113, ClinGen allele CA5327828.

ClinVar aggregate classification (germline): Uncertain significance. Review status: criteria provided, multiple submitters, no conflicts (2 of 4 stars). 4 submissions from 3 submitters: Uncertain significance (4). Last evaluated 2024-10-24.

Conditions:
Autosomal dominant nocturnal frontal lobe epilepsy 5. Also called: CILIARY DYSKINESIA, PRIMARY, 28, WITHOUT SITUS INVERSUS; KCNT1-Related Epilepsy; CILIARY DYSKINESIA, PRIMARY, 28, WITH SITUS INVERSUS; Epilepsy, nocturnal frontal lobe, 5. Identifiers: Orphanet 98784, MedGen C3554306, MONDO:0014002, OMIM 615005.
Developmental and epileptic encephalopathy, 14 (DEE14). Also called: Early infantile epileptic encephalopathy 14. Identifiers: Orphanet 293181, MedGen C3554195, MONDO:0013989, OMIM 614959.

Allele frequency attached by ClinVar (database versions not stated): gnomAD exomes below 0.00001; gnomAD 0.00001; ExAC 0.00002; 1000 Genomes Project 30x 0.00016; 1000 Genomes Project 0.00020.
gnomAD v4.1: 2 of 1,592,554 alleles (0.00013%); highest among the groups gnomAD compares: Admixed American, 0.0018%; no homozygotes.

Submissions (4):

Labcorp Genetics (formerly Invitae), Labcorp
Classification: Uncertain significance for Autosomal dominant nocturnal frontal lobe epilepsy 5; Developmental and epileptic encephalopathy, 14. Last evaluated: 2024-10-24. Review status: criteria provided, single submitter. Criteria: Invitae Variant Classification Sherloc (09022015). Collection method: clinical testing. Allele origin: germline.
Comment: This sequence change replaces threonine, which is neutral and polar, with alanine, which is neutral and non-polar, at codon 1165 of the KCNT1 protein (p.Thr1165Ala). The frequency data for this variant in the population databases is considered unreliable, as metrics indicate poor data quality at this position in the gnomAD database. This variant has not been reported in the literature in individuals affected with KCNT1-related conditions. ClinVar contains an entry for this variant (Variation ID: 848626). Invitae Evidence Modeling of protein sequence and biophysical properties (such as structural, functional, and spatial information, amino acid conservation, physicochemical variation, residue mobility, and thermodynamic stability) indicates that this missense variant is not expected to disrupt KCNT1 protein function with a negative predictive value of 80%. In summary, the available evidence is currently insufficient to determine the role of this variant in disease. Therefore, it has been classified as a Variant of Uncertain Significance.

Genome-Nilou Lab
Classification: Uncertain significance for Developmental and epileptic encephalopathy, 14. Last evaluated: 2022-03-15. Review status: criteria provided, single submitter. Criteria: ACMG Guidelines, 2015. Collection method: clinical testing. Allele origin: germline. Affected: no.

Genome-Nilou Lab
Classification: Uncertain significance for Autosomal dominant nocturnal frontal lobe epilepsy 5. Last evaluated: 2022-03-15. Review status: criteria provided, single submitter. Criteria: ACMG Guidelines, 2015. Collection method: clinical testing. Allele origin: germline. Affected: no.

New York Genome Center
Classification: Uncertain significance for Developmental and epileptic encephalopathy, 14; Autosomal dominant nocturnal frontal lobe epilepsy 5. Last evaluated: 2021-11-22. Review status: criteria provided, single submitter. Criteria: NYGC Assertion Criteria 2020. Collection method: clinical testing. Allele origin: inherited. Observed: 1 heterozygote. Study: CSER-NYCKidSeq.
Comment: The inherited c.3493A>G (p.Thr1165Ala) variant identified in the KCNT1 gene substitutes a highly conserved Threonine for Alanine at amino acid 1165/1236 (coding exon 29/31). This variant is found with low frequency in gnomAD (1 heterozygote, 0 homozygotes; allele frequency: 4.852e-6) and ExAC (1 heterozygote, 0 homozygotes; allele frequency: 1.659e-5), suggesting it is not a common benign variant in the populations represented in these databases. In silico algorithms predict this variant to be Neutral (Provean; score: -0.59) and Tolerated (SIFT; score: 0.646) to the function of the canonical transcript. This variant is absent from ClinVar and currently has not be reported in any affected individuals in the literature. The p.Thr1165 residue is not within a specific functional domain, but is found in the long intracellular C-terminal region where other KCNT1 pathogenic missense variants have been reported [PMID: 26122718]. Given the lack of compelling information supporting the pathogenicity of the inherited c.3493A>G (p.Thr1165Ala) variant in KCNT1, it is reported here as a Variant of Uncertain Significance.